The following is an entry in ClinVar:

ClinVar aggregate classification (germline): Uncertain significance. Review status: criteria provided, multiple submitters, no conflicts (2 of 4 stars). 2 submissions from 2 submitters: Uncertain significance (2). Last evaluated 2025-07-18.

Conditions:
Hereditary cancer-predisposing syndrome. Also called: Tumor predisposition; Hereditary neoplastic syndrome; Neoplastic Syndromes, Hereditary; Hereditary Cancer Syndrome. Identifiers: Orphanet 140162, MedGen C0027672, MeSH D009386, MONDO:0015356.

Submissions (2):

Ambry Genetics
Classification: Uncertain significance for Hereditary cancer-predisposing syndrome. Last evaluated: 2025-07-18. Review status: criteria provided, single submitter. Criteria: Ambry Variant Classification Scheme 2023. Collection method: clinical testing. Allele origin: germline.
Comment: The p.I1516V variant (also known as c.4546A>G), located in coding exon 15 of the APC gene, results from an A to G substitution at nucleotide position 4546. The isoleucine at codon 1516 is replaced by valine, an amino acid with highly similar properties. This amino acid position is highly conserved in available vertebrate species. In addition, in silico predictors for this gene do not accurately predict pathogenicity. Missense alterations in APC are not a common cause of disease (Spier I et al. Genet Med. 2024 Feb;26(2):100992). Based on the available evidence, the clinical significance of this variant remains unclear.

Laboratory for Molecular Medicine, Mass General Brigham Personalized Medicine
Classification: Uncertain significance. Last evaluated: 2017-02-25. Review status: criteria provided, single submitter. Criteria: LMM Criteria. Collection method: clinical testing. Allele origin: germline. Observed: 1 variant allele.
Comment: The p.Ile1516Val variant in APC has not been previously reported in individuals with FAP or other APC-associated cancers and was absent from large population st udies. Computational prediction tools and conservation analysis do not provide s trong support for or against an impact to the protein. In summary, the clinical significance of the p.Ile1516Val variant is uncertain.

NM_000038.6(APC):c.4546A>G (p.Ile1516Val)

Gene: APC (APC regulator of Wnt signaling pathway; plus strand). Cytogenetic location: 5q22.2.
Variant type: single nucleotide variant.
Coding change: c.4546A>G on transcript NM_000038.6 (MANE Select); coding-DNA position 4546, A replaced by G.
Protein change: p.Ile1516Val; replaces isoleucine 1516 with valine.
Molecular consequence: missense variant.
Genome position (GRCh38, 1-based): chr5:112,840,140, A>G. VCF-style: chr5-112840140-A-G. GRCh37 (hg19) VCF-style: chr5-112175837-A-G.
Other names: c.4546A>G, p.Ile1516Val (NM_001127510.3, NM_001354895.2); c.4492A>G, p.Ile1498Val (NM_001127511.3); c.4600A>G, p.Ile1534Val (NM_001354896.2); c.4576A>G, p.Ile1526Val (NM_001354897.2); c.4471A>G, p.Ile1491Val (NM_001354898.2); c.4462A>G, p.Ile1488Val (NM_001354899.2); c.4423A>G, p.Ile1475Val (NM_001354900.2); c.4369A>G, p.Ile1457Val (NM_001354901.2); and 6 more; short protein forms I1498V, I1516V, I1425V, I1488V, I1233V, I1356V, I1457V, I1390V.
Identifiers: ClinVar variation 517225 (VCV000517225.5), dbSNP rs1554085952, ClinGen allele CA16031279.